The following is an entry in ClinVar:

NM_001376.5(DYNC1H1):c.1573C>G (p.Leu525Val)

Gene: DYNC1H1 (dynein cytoplasmic 1 heavy chain 1; plus strand). Cytogenetic location: 14q32.31.
Variant type: single nucleotide variant.
Coding change: c.1573C>G on transcript NM_001376.5 (MANE Select); coding-DNA position 1573, C replaced by G.
Protein change: p.Leu525Val; replaces leucine 525 with valine.
Molecular consequence: missense variant.
Genome position (GRCh38, 1-based): chr14:101,985,798, C>G. VCF-style: chr14-101985798-C-G. GRCh37 (hg19) VCF-style: chr14-102452135-C-G.
Other names: short protein forms L525V.
Identifiers: ClinVar variation 3633276 (VCV003633276.2).

ClinVar aggregate classification (germline): Uncertain significance (1 of 4 stars; one submission).

Conditions:
Charcot-Marie-Tooth disease axonal type 2O. Also called: CHARCOT-MARIE-TOOTH NEUROPATHY, AXONAL, TYPE 2O; CHARCOT-MARIE-TOOTH DISEASE, AXONAL, AUTOSOMAL DOMINANT, TYPE 2O; Charcot-Marie-Tooth Neuropathy Type 2O; Charcot-Marie-Tooth disease, axonal, type 20. Identifiers: Orphanet 284232, MedGen C3280220, MONDO:0013644, OMIM 614228.

Submission:

Labcorp Genetics (formerly Invitae), Labcorp
Classification: Uncertain significance for Charcot-Marie-Tooth disease axonal type 2O. Last evaluated: 2024-10-16. Review status: criteria provided, single submitter. Criteria: Invitae Variant Classification Sherloc (09022015). Collection method: clinical testing. Allele origin: germline.
Comment: This sequence change replaces leucine, which is neutral and non-polar, with valine, which is neutral and non-polar, at codon 525 of the DYNC1H1 protein (p.Leu525Val). This variant is not present in population databases (gnomAD no frequency). This variant has not been reported in the literature in individuals affected with DYNC1H1-related conditions. Invitae Evidence Modeling of protein sequence and biophysical properties (such as structural, functional, and spatial information, amino acid conservation, physicochemical variation, residue mobility, and thermodynamic stability) indicates that this missense variant is not expected to disrupt DYNC1H1 protein function with a negative predictive value of 95%. In summary, the available evidence is currently insufficient to determine the role of this variant in disease. Therefore, it has been classified as a Variant of Uncertain Significance.